The following is an entry in ClinVar:

ClinVar aggregate classification (germline): Uncertain significance (0 of 4 stars; one submission).

Conditions:
CLCN6-related disorder. Also called: CLCN6-related condition.

Submission:

PreventionGenetics, part of Exact Sciences
Classification: Uncertain significance for CLCN6-related condition. Last evaluated: 2024-04-17. Review status: no assertion criteria provided. Collection method: clinical testing. Allele origin: germline.
Comment: The CLCN6 c.625G>A variant is predicted to result in the amino acid substitution p.Val209Met. To our knowledge, this variant has not been reported in the literature or in a large population database, indicating this variant is rare. At this time, the clinical significance of this variant is uncertain due to the absence of conclusive functional and genetic evidence.

NM_001286.5(CLCN6):c.625G>A (p.Val209Met)

Gene: CLCN6 (chloride voltage-gated channel 6; plus strand). Cytogenetic location: 1p36.22.
Variant type: single nucleotide variant.
Coding change: c.625G>A on transcript NM_001286.5 (MANE Select); coding-DNA position 625, G replaced by A.
Protein change: p.Val209Met; replaces valine 209 with methionine.
Molecular consequence: missense variant. On other transcripts: non-coding transcript variant (1).
Genome position (GRCh38, 1-based): chr1:11,824,530, G>A. VCF-style: chr1-11824530-G-A. GRCh37 (hg19) VCF-style: chr1-11884587-G-A.
Other names: c.559G>A, p.Val187Met (NM_001256959.2); short protein forms V187M, V209M.
Identifiers: ClinVar variation 3345695 (VCV003345695.1).